The following is an entry in ClinVar:

ClinVar aggregate classification (germline): Uncertain significance (1 of 4 stars; one submission).

Conditions:
Oligosynaptic infertility (SPGF1). Also called: SPERMATOGENIC FAILURE 1; OLIGOCHIASMATIC INFERTILITY. Identifiers: MedGen C0403810, MONDO:0009776, OMIM 258150.
46 XY differences of sex development. Also called: 46, XY disorder of sex development (DSD); 46,XY disorder of sex development. Identifiers: Orphanet 98085, MedGen C2751824, MONDO:0020040.

gnomAD v4.1: 133 of 1,558,240 alleles (0.0085%); highest among the groups gnomAD compares: Non-Finnish European, 0.011%; no homozygotes.

Submission:

Labcorp Genetics (formerly Invitae), Labcorp
Classification: Uncertain significance for 46 XY differences of sex development; Oligosynaptic infertility. Last evaluated: 2025-12-11. Review status: criteria provided, single submitter. Criteria: Invitae Variant Classification Sherloc (09022015). Collection method: clinical testing. Allele origin: germline.
Comment: This sequence change replaces tyrosine, which is neutral and polar, with cysteine, which is neutral and slightly polar, at codon 211 of the NR5A1 protein (p.Tyr211Cys). This variant is present in population databases (rs201548212, gnomAD 0.01%). This missense change has been observed in individual(s) with clinical features of NR5A1-related conditions (PMID: 29190620). ClinVar contains an entry for this variant (Variation ID: 3752011). Invitae Evidence Modeling of protein sequence and biophysical properties (such as structural, functional, and spatial information, amino acid conservation, physicochemical variation, residue mobility, and thermodynamic stability) indicates that this missense variant is not expected to disrupt NR5A1 protein function with a negative predictive value of 95%. In summary, the available evidence is currently insufficient to determine the role of this variant in disease. Therefore, it has been classified as a Variant of Uncertain Significance.

Literature cited by the submitters: PubMed 29190620.

NM_004959.5(NR5A1):c.632A>G (p.Tyr211Cys)

Gene: NR5A1 (nuclear receptor subfamily 5 group A member 1; minus strand). Cytogenetic location: 9q33.3.
Variant type: single nucleotide variant.
Coding change: c.632A>G on transcript NM_004959.5 (MANE Select); coding-DNA position 632, A replaced by G.
Protein change: p.Tyr211Cys; replaces tyrosine 211 with cysteine.
Molecular consequence: missense variant.
Genome position (GRCh38, 1-based): chr9:124,500,328, T>C on the plus strand (A>G on the coding strand, the complement: NR5A1 is on the minus strand). VCF-style: chr9-124500328-T-C. GRCh37 (hg19) VCF-style: chr9-127262607-T-C.
Other names: short protein forms Y211C.
Identifiers: ClinVar variation 3752011 (VCV003752011.2).